The following is an entry in ClinVar:

ClinVar aggregate classification (germline): Pathogenic (1 of 4 stars; one submission).

Conditions:
Hereditary cancer-predisposing syndrome. Also called: Hereditary Cancer Syndrome; Neoplastic Syndromes, Hereditary; Tumor predisposition; Hereditary neoplastic syndrome. Identifiers: Orphanet 140162, MedGen C0027672, MeSH D009386, MONDO:0015356.

Submission:

Ambry Genetics
Classification: Pathogenic for Hereditary cancer-predisposing syndrome. Last evaluated: 2021-01-18. Review status: criteria provided, single submitter. Criteria: Ambry Variant Classification Scheme 2023. Collection method: clinical testing. Allele origin: germline.
Comment: The c.5113_5121delCTAGGAATTinsA pathogenic mutation, located in coding exon 16 of the BRCA1 gene, results from the deletion of 9 nucleotides and insertion of one nucleotide causing a translational frameshift with a predicted alternate stop codon (p.L1705Sfs*8). This alteration is expected to result in loss of function by premature protein truncation or nonsense-mediated mRNA decay. As such, this alteration is interpreted as a disease-causing mutation.

NM_007294.4(BRCA1):c.5113_5121delinsA (p.Leu1705fs)

Gene: BRCA1 (BRCA1 DNA repair associated; minus strand). Cytogenetic location: 17q21.31.
Variant type: Indel.
Coding change: c.5113_5121delinsA on transcript NM_007294.4 (MANE Select); coding-DNA positions 5113 to 5121, CTAGGAATT replaced by A.
Protein change: p.Leu1705fs; shifts the reading frame from leucine 1705.
Molecular consequence: frameshift variant. On other transcripts: non-coding transcript variant (1).
Genome position (GRCh38, 1-based): chr17:43,063,905-43,063,913, AATTCCTAG replaced by T on the plus strand (CTAGGAATT replaced by A on the coding strand, the reverse complement: BRCA1 is on the minus strand). VCF-style: chr17-43063905-AATTCCTAG-T. GRCh37 (hg19) VCF-style: chr17-41215922-AATTCCTAG-T.
Other names: c.4966_4974delCTAGGAATTinsA, p.Leu1656Serfs (NM_001407851.1, NM_001407852.1, NM_001407853.1 and 12 more transcripts); c.5110_5118delCTAGGAATTinsA, p.Leu1704Serfs (NM_001407860.1, NM_001407859.1, NM_001407858.1 and 17 more transcripts); c.4906_4914delCTAGGAATTinsA, p.Leu1636Serfs (NM_001407874.1, NM_001407875.1); c.4903_4911delCTAGGAATTinsA, p.Leu1635Serfs (NM_001407881.1, NM_001407879.1, NM_001407882.1 and 5 more transcripts); c.5107_5115delCTAGGAATTinsA, p.Leu1703Serfs (NM_001407861.1, NM_001407627.1, NM_001407628.1 and 14 more transcripts); c.4912_4920delCTAGGAATTinsA, p.Leu1638Serfs (NM_001407862.1); c.5113_5121delCTAGGAATTinsA, p.Leu1705Serfs (NM_001407854.1, NM_001407593.1, NM_001407594.1 and 7 more transcripts); c.1798_1806delCTAGGAATTinsA, p.Leu600Serfs (NM_001408392.1, NM_001408396.1, NM_001408397.1 and 8 more transcripts); and 74 more; short protein forms L1658fs, L1705fs, L1726fs, L601fs.
Identifiers: ClinVar variation 1745421 (VCV001745421.2), dbSNP rs2549520266, ClinGen allele CA2580093951.